The following is an entry in ClinVar:

ClinVar aggregate classification (germline): Uncertain significance. Review status: criteria provided, single submitter (1 of 4 stars). 3 submissions from 3 submitters: Uncertain significance (1). 2 of the submissions do not count toward it. Last evaluated 2022-05-04.

Conditions:
FOXC1-related disorder. Also called: FOXC1-related condition.

Allele frequency attached by ClinVar (database versions not stated): 1000 Genomes Project 30x 0.00203; 1000 Genomes Project 0.00220; gnomAD 0.00352 and 0.00356; gnomAD exomes 0.00352; TOPMed 0.00387.
gnomAD v4.1: 752 of 212,012 alleles (0.35%); highest among the groups gnomAD compares: Non-Finnish European, 0.52%; 4 homozygotes.

Submissions (3):

Mendelics
Classification: Uncertain significance. Last evaluated: 2022-05-04. Review status: criteria provided, single submitter. Criteria: Mendelics Assertion Criteria 2019. Collection method: clinical testing. Allele origin: germline.

PreventionGenetics, part of Exact Sciences
Classification: Benign for FOXC1-related condition. Last evaluated: 2024-05-06. Review status: no assertion criteria provided. Collection method: clinical testing. Allele origin: germline. Not counted in ClinVar's aggregate classification.
Comment: This variant is classified as benign based on ACMG/AMP sequence variant interpretation guidelines (Richards et al. 2015 PMID: 25741868, with internal and published modifications).

Human Genetics School of Medicine of Albacete, Castilla-La Mancha University
Classification: Pathogenic. Review status: no assertion criteria provided. Collection method: not provided. Allele origin: inherited. Not counted in ClinVar's aggregate classification.
Comment: Primary Congenital Glaucoma/Juvenile Open Angle Glaucoma
ClinVar note: Converted during submission from pathogenic to Pathogenic.

NM_001453.3(FOXC1):c.*734A>T

Gene: FOXC1 (forkhead box C1; plus strand). Cytogenetic location: 6p25.3.
Variant type: single nucleotide variant.
Coding change: c.*734A>T on transcript NM_001453.3 (MANE Select); 734 bases downstream of the stop codon, A replaced by T.
Molecular consequence: 3 prime UTR variant.
Genome position (GRCh38, 1-based): chr6:1,612,841, A>T. VCF-style: chr6-1612841-A-T. GRCh37 (hg19) VCF-style: chr6-1613076-A-T.
Identifiers: ClinVar variation 183249 (VCV000183249.4), dbSNP rs35717904, ClinGen allele CA235497.